The following is an entry in ClinVar:

ClinVar aggregate classification (germline): Uncertain significance (1 of 4 stars; one submission).

Conditions:
Kleefstra syndrome 1 (KLEFS1). Identifiers: Orphanet 261494, MedGen C0795833, MONDO:0027407, OMIM 610253.

Allele frequency attached by ClinVar (database versions not stated): TOPMed 0.00001; gnomAD exomes below 0.00001.

Submission:

Labcorp Genetics (formerly Invitae), Labcorp
Classification: Uncertain significance for Kleefstra syndrome 1. Last evaluated: 2022-03-18. Review status: criteria provided, single submitter. Criteria: Invitae Variant Classification Sherloc (09022015). Collection method: clinical testing. Allele origin: germline.
Comment: Algorithms developed to predict the effect of sequence changes on RNA splicing suggest that this variant may disrupt the consensus splice site. This sequence change replaces valine, which is neutral and non-polar, with glycine, which is neutral and non-polar, at codon 280 of the EHMT1 protein (p.Val280Gly). This variant is present in population databases (no rsID available, gnomAD 0.003%). This variant has not been reported in the literature in individuals affected with EHMT1-related conditions. ClinVar contains an entry for this variant (Variation ID: 1036400). Algorithms developed to predict the effect of missense changes on protein structure and function are either unavailable or do not agree on the potential impact of this missense change (SIFT: "Deleterious"; PolyPhen-2: "Benign"; Align-GVGD: "Class C0"). In summary, the available evidence is currently insufficient to determine the role of this variant in disease. Therefore, it has been classified as a Variant of Uncertain Significance.

NM_024757.5(EHMT1):c.839T>G (p.Val280Gly)

Gene: EHMT1 (euchromatic histone lysine methyltransferase 1; plus strand). Cytogenetic location: 9q34.3.
Variant type: single nucleotide variant.
Coding change: c.839T>G on transcript NM_024757.5 (MANE Select); coding-DNA position 839, T replaced by G.
Protein change: p.Val280Gly; replaces valine 280 with glycine.
Molecular consequence: missense variant. On other transcripts: intron variant (1).
Genome position (GRCh38, 1-based): chr9:137,743,386, T>G. VCF-style: chr9-137743386-T-G. GRCh37 (hg19) VCF-style: chr9-140637838-T-G.
Other names: c.839T>G, p.Val280Gly (NM_001145527.2, NM_001354611.2); c.746T>G, p.Val249Gly (NM_001354259.2, NM_001354612.2); c.824-6T>G (NM_001354263.2); short protein forms V280G, V249G.
Identifiers: ClinVar variation 1036400 (VCV001036400.9), dbSNP rs1277198238, ClinGen allele CA375777554.
Genomic context (GRCh38, chr9:137,743,386, plus strand): 5'-TCTTTTCCTTTCTTGTCCCCTTTTGACTTTTTTTTTTTTTTTTAGCTTGCTTGCCTTTTG[T>G]TTTAGCAGCTGCAGTATCTCGGAAGAAAAAACGAAGAATGGGAACCTATAGCCTGGTTCC-3'
Protein context (NP_079033.4, residues 270-290): TKSQTACLPF[Val280Gly]LAAAVSRKKK